The following is an entry in ClinVar:

ClinVar aggregate classification (germline): Uncertain significance (1 of 4 stars; one submission).

Submission:

GeneDx
Classification: Uncertain significance. Last evaluated: 2019-12-27. Review status: criteria provided, single submitter. Criteria: GeneDx Variant Classification Process June 2021. Collection method: clinical testing. Allele origin: germline. Affected: yes.
Comment: Not observed in large population cohorts (Lek et al., 2016); In silico analysis, which includes protein predictors and evolutionary conservation, supports a deleterious effect; Has not been previously published as pathogenic or benign to our knowledge

NM_001130438.3(SPTAN1):c.1202A>T (p.Asp401Val)

Gene: SPTAN1 (spectrin alpha, non-erythrocytic 1; plus strand). Cytogenetic location: 9q34.11.
Variant type: single nucleotide variant.
Coding change: c.1202A>T on transcript NM_001130438.3 (MANE Select); coding-DNA position 1202, A replaced by T.
Protein change: p.Asp401Val; replaces aspartic acid 401 with valine.
Molecular consequence: missense variant.
Genome position (GRCh38, 1-based): chr9:128,578,226, A>T. VCF-style: chr9-128578226-A-T. GRCh37 (hg19) VCF-style: chr9-131340505-A-T.
Other names: c.1202A>T, p.Asp401Val (NM_001195532.2, NM_001363759.2, NM_001363765.2 and 5 more transcripts); c.1238A>T, p.Asp413Val (NM_001375312.2, NM_001375318.1); short protein forms D401V, D413V.
Identifiers: ClinVar variation 1311361 (VCV001311361.2), dbSNP rs2131030682, ClinGen allele CA375052020.